The following is an entry in ClinVar:

NM_002576.5(PAK1):c.190+5A>G

Gene: PAK1 (p21 (RAC1) activated kinase 1; minus strand). Cytogenetic location: 11q13.5.
Variant type: single nucleotide variant.
Coding change: c.190+5A>G on transcript NM_002576.5 (MANE Select); 5 bases into the intron after coding-DNA position 190, A replaced by G.
Molecular consequence: intron variant.
Genome position (GRCh38, 1-based): chr11:77,392,326, T>C on the plus strand (A>G on the coding strand, the complement: PAK1 is on the minus strand). VCF-style: chr11-77392326-T-C. GRCh37 (hg19) VCF-style: chr11-77103371-T-C.
Other names: c.-3-12938A>G (NM_001376304.1); c.190+5A>G (NM_001376273.1, NM_001376268.1, NM_001376301.1 and 28 more transcripts); c.-104-12332A>G (NM_001376305.1, NM_001376302.1).
Identifiers: ClinVar variation 4882677 (VCV004882677.2).

ClinVar aggregate classification (germline): Uncertain significance (1 of 4 stars; one submission).

gnomAD v4.1: 4 of 1,560,012 alleles (0.00026%); highest among the groups gnomAD compares: Non-Finnish European, 0.00035%; no homozygotes.

Submission:

Dasa
Classification: Uncertain significance. Last evaluated: 2025-06-14. Review status: criteria provided, single submitter. Criteria: DASA Assertion Criteria. Collection method: clinical testing. Allele origin: germline.
Comment: NM_002576.5(PAK1):c.190+5A>G is a splice-region variant predicted to affect normal RNA splicing. This variant is rare in population databases. The currently available literature and clinical evidence are not sufficient to establish a definitive association between this variant and the reported condition. Therefore, this variant is classified as a variant of uncertain significance.